The following is an entry in ClinVar:

ClinVar aggregate classification (germline): Uncertain significance. Review status: criteria provided, multiple submitters, no conflicts (2 of 4 stars). 2 submissions from 2 submitters: Uncertain significance (2). Last evaluated 2024-08-01.

Conditions:
3M syndrome 2. Also called: 3-M Syndrome, OBSL1-Related; THREE M SYNDROME 2. Identifiers: Orphanet 2616, MedGen C2752041, MONDO:0013039, OMIM 612921.

Allele frequency attached by ClinVar (database versions not stated): ExAC 0.00001; gnomAD exomes 0.00001; TOPMed 0.00003.
gnomAD v4.1: 8 of 1,588,776 alleles (0.0005%); highest among the groups gnomAD compares: African/African-American, 0.0094%; no homozygotes.

Submissions (2):

Laboratorio de Genetica e Diagnostico Molecular, Hospital Israelita Albert Einstein
Classification: Uncertain significance for 3M syndrome 2. Last evaluated: 2024-08-01. Review status: criteria provided, single submitter. Criteria: ACMG Guidelines, 2015. Collection method: clinical testing. Allele origin: germline. Affected: yes.
Comment: ACMG classification criteria: PM2 supporting

Labcorp Genetics (formerly Invitae), Labcorp
Classification: Uncertain significance. Last evaluated: 2023-04-17. Review status: criteria provided, single submitter. Criteria: Invitae Variant Classification Sherloc (09022015). Collection method: clinical testing. Allele origin: germline.
Comment: In summary, the available evidence is currently insufficient to determine the role of this variant in disease. Therefore, it has been classified as a Variant of Uncertain Significance. An algorithm developed to predict the effect of missense changes on protein structure and function (PolyPhen-2) suggests that this variant is likely to be disruptive. This variant has not been reported in the literature in individuals affected with OBSL1-related conditions. This variant is present in population databases (rs778210537, gnomAD 0.007%). This sequence change replaces alanine, which is neutral and non-polar, with proline, which is neutral and non-polar, at codon 706 of the OBSL1 protein (p.Ala706Pro).

NM_015311.3(OBSL1):c.2116G>C (p.Ala706Pro)

Gene: OBSL1 (obscurin like cytoskeletal adaptor 1; minus strand). Cytogenetic location: 2q35.
Variant type: single nucleotide variant.
Coding change: c.2116G>C on transcript NM_015311.3 (MANE Select); coding-DNA position 2116, G replaced by C.
Protein change: p.Ala706Pro; replaces alanine 706 with proline.
Molecular consequence: missense variant.
Genome position (GRCh38, 1-based): chr2:219,566,848, C>G on the plus strand (G>C on the coding strand, the complement: OBSL1 is on the minus strand). VCF-style: chr2-219566848-C-G. GRCh37 (hg19) VCF-style: chr2-220431570-C-G.
Other names: c.2116G>C, p.Ala706Pro (NM_001173408.2, NM_001173431.2); short protein forms A706P.
Identifiers: ClinVar variation 3014920 (VCV003014920.4), dbSNP rs778210537, ClinGen allele CA2131330.